The following is an entry in ClinVar:

ClinVar aggregate classification (germline): Pathogenic (1 of 4 stars; one submission).

Submission:

Labcorp Genetics (formerly Invitae), Labcorp
Classification: Pathogenic. Last evaluated: 2023-05-11. Review status: criteria provided, single submitter. Criteria: Invitae Variant Classification Sherloc (09022015). Collection method: clinical testing. Allele origin: germline.
Comment: This sequence change creates a premature translational stop signal (p.Gly155Glufs*7) in the MED17 gene. It is expected to result in an absent or disrupted protein product. Loss-of-function variants in MED17 are known to be pathogenic (PMID: 20950787, 26004231, 30345598). For these reasons, this variant has been classified as Pathogenic. Algorithms developed to predict the effect of sequence changes on RNA splicing suggest that this variant may create or strengthen a splice site. This variant has not been reported in the literature in individuals affected with MED17-related conditions. This variant is not present in population databases (gnomAD no frequency).

Literature cited by the submitters: PubMed 20950787; PubMed 26004231; PubMed 30345598.

NM_004268.5(MED17):c.464del (p.Gly155fs)

Gene: MED17 (mediator complex subunit 17; plus strand). Cytogenetic location: 11q21.
Variant type: Deletion.
Coding change: c.464del on transcript NM_004268.5 (MANE Select); coding-DNA position 464, one base deleted (G; older notation c.464delG).
Protein change: p.Gly155fs; shifts the reading frame from glycine 155.
Molecular consequence: frameshift variant.
Genome position (GRCh38, 1-based): chr11:93,790,620, G deleted; the last of 2 consecutive G bases (chr11:93,790,619-93,790,620); deleting either gives the same sequence. VCF-style (leftmost placement, unchanged base first): chr11-93790618-TG-T. GRCh37 (hg19) VCF-style: chr11-93523784-TG-T.
Other names: short protein forms G155fs.
Identifiers: ClinVar variation 2863138 (VCV002863138.3), dbSNP rs2497522170, ClinGen allele CA2739270737.